The following is an entry in ClinVar:

ClinVar aggregate classification (germline): Uncertain significance (1 of 4 stars; one submission).

gnomAD v4.1: 3 of 1,614,136 alleles (0.00019%); highest among the groups gnomAD compares: East Asian, 0.0067%; no homozygotes.

Submission:

Ambry Genetics
Classification: Uncertain significance. Last evaluated: 2022-05-23. Review status: criteria provided, single submitter. Criteria: Ambry Variant Classification Scheme 2023. Collection method: clinical testing. Allele origin: germline.
Comment: The p.P45Q variant (also known as c.134C>A), located in coding exon 1 of the BUB3 gene, results from a C to A substitution at nucleotide position 134. The proline at codon 45 is replaced by glutamine, an amino acid with similar properties. This amino acid position is conserved. In addition, this alteration is predicted to be tolerated by in silico analysis. Since supporting evidence is limited at this time, the clinical significance of this alteration remains unclear.

NM_004725.4(BUB3):c.134C>A (p.Pro45Gln)

Genes: BUB3 (BUB3 mitotic checkpoint protein; plus strand), LOC130004885 (ATAC-STARR-seq lymphoblastoid active region 4151; plus strand). Cytogenetic location: 10q26.13.
Variant type: single nucleotide variant.
Coding change: c.134C>A on transcript NM_004725.4 (MANE Select); coding-DNA position 134, C replaced by A.
Protein change: p.Pro45Gln; replaces proline 45 with glutamine.
Molecular consequence: missense variant.
Genome position (GRCh38, 1-based): chr10:123,155,051, C>A. VCF-style: chr10-123155051-C-A. GRCh37 (hg19) VCF-style: chr10-124914567-C-A.
Other names: c.134C>A, p.Pro45Gln (NM_001007793.3); short protein forms P45Q.
Identifiers: ClinVar variation 1770562 (VCV001770562.2), dbSNP rs754236959, ClinGen allele CA378625013.